The following is an entry in ClinVar:

NM_000091.5(COL4A3):c.1286del (p.Pro429fs)

Genes: COL4A3 (collagen type IV alpha 3 chain; plus strand), MFF-DT (MFF divergent transcript; minus strand). Cytogenetic location: 2q36.3.
Variant type: Deletion.
Coding change: c.1286del on transcript NM_000091.5 (MANE Select); coding-DNA position 1286, one base deleted (C; older notation c.1286delC).
Protein change: p.Pro429fs; shifts the reading frame from proline 429.
Molecular consequence: frameshift variant.
Genome position (GRCh38, 1-based): chr2:227,263,915, C deleted; the last of 2 consecutive C bases (chr2:227,263,914-227,263,915); deleting either gives the same sequence. VCF-style (leftmost placement, unchanged base first): chr2-227263913-TC-T. GRCh37 (hg19) VCF-style: chr2-228128629-TC-T.
Other names: short protein forms P429fs.
Identifiers: ClinVar variation 1451471 (VCV001451471.6), dbSNP rs2125972883, ClinGen allele CA2573135455.

ClinVar aggregate classification (germline): Pathogenic (1 of 4 stars; one submission).

Submission:

Labcorp Genetics (formerly Invitae), Labcorp
Classification: Pathogenic. Last evaluated: 2021-07-31. Review status: criteria provided, single submitter. Criteria: Invitae Variant Classification Sherloc (09022015). Collection method: clinical testing. Allele origin: germline.
Comment: For these reasons, this variant has been classified as Pathogenic. This variant has not been reported in the literature in individuals affected with COL4A3-related conditions. This variant is not present in population databases (ExAC no frequency). This sequence change creates a premature translational stop signal (p.Pro429Glnfs*29) in the COL4A3 gene. It is expected to result in an absent or disrupted protein product. Loss-of-function variants in COL4A3 are known to be pathogenic (PMID: 8956999, 24854265, 26809805, 27281700).

Literature cited by the submitters: PubMed 8956999; PubMed 24854265; PubMed 26809805; PubMed 27281700.